The following is an entry in ClinVar:

ClinVar aggregate classification (germline): Uncertain significance (1 of 4 stars; one submission).

Submission:

Ambry Genetics
Classification: Uncertain significance. Last evaluated: 2025-03-23. Review status: criteria provided, single submitter. Criteria: Ambry Variant Classification Scheme 2023. Collection method: clinical testing. Allele origin: germline.
Comment: The p.N322Y variant (also known as c.964A>T), located in coding exon 5 of the MYOM1 gene, results from an A to T substitution at nucleotide position 964. The asparagine at codon 322 is replaced by tyrosine, an amino acid with dissimilar properties. This amino acid position is conserved. In addition, this alteration is predicted to be tolerated by in silico analysis. Based on the available evidence, the clinical significance of this variant remains unclear.

NM_003803.4(MYOM1):c.964A>T (p.Asn322Tyr)

Gene: MYOM1 (myomesin 1; minus strand). Cytogenetic location: 18p11.31.
Variant type: single nucleotide variant.
Coding change: c.964A>T on transcript NM_003803.4 (MANE Select); coding-DNA position 964, A replaced by T.
Protein change: p.Asn322Tyr; replaces asparagine 322 with tyrosine.
Molecular consequence: missense variant.
Genome position (GRCh38, 1-based): chr18:3,176,100, T>A on the plus strand (A>T on the coding strand, the complement: MYOM1 is on the minus strand). VCF-style: chr18-3176100-T-A. GRCh37 (hg19) VCF-style: chr18-3176098-T-A.
Other names: c.964A>T, p.Asn322Tyr (NM_019856.2); short protein forms N322Y.
Identifiers: ClinVar variation 3916545 (VCV003916545.1).